The following is an entry in ClinVar:

NM_033028.5(BBS4):c.435C>A (p.Tyr145Ter)

Gene: BBS4 (Bardet-Biedl syndrome 4; plus strand). Cytogenetic location: 15q24.1.
Variant type: single nucleotide variant.
Coding change: c.435C>A on transcript NM_033028.5 (MANE Select); coding-DNA position 435, C replaced by A.
Protein change: p.Tyr145Ter; replaces tyrosine 145 with a stop codon.
Molecular consequence: nonsense. On other transcripts: non-coding transcript variant (2), 5 prime UTR variant (1).
Genome position (GRCh38, 1-based): chr15:72,722,823, C>A. VCF-style: chr15-72722823-C-A. GRCh37 (hg19) VCF-style: chr15-73015164-C-A.
Other names: c.-82C>A (NM_001252678.2); c.435C>A, p.Tyr145Ter (NM_001320665.2); short protein forms Y145*.
Identifiers: ClinVar variation 2755879 (VCV002755879.3), dbSNP rs1379874365, ClinGen allele CA393075673.
Genomic context (GRCh38, chr15:72,722,823, plus strand): 5'-GAGTTGTTTTCCTTCTTTTTTATGAGCCTAGGAGATCAGCCATAACCTAGGAGTTTGCTA[C>A]ATATACCTGAAGCAGTTCAACAAGGTAATTTATAGAAGTGGTGATAGATTTCACTGAGGG-3'

ClinVar aggregate classification (germline): Pathogenic (1 of 4 stars; one submission).

Conditions:
Bardet-Biedl syndrome (BBS). Identifiers: Orphanet 110, MedGen C0752166, MONDO:0015229.

Submission:

Labcorp Genetics (formerly Invitae), Labcorp
Classification: Pathogenic for Bardet-Biedl syndrome. Last evaluated: 2024-02-19. Review status: criteria provided, single submitter. Criteria: Invitae Variant Classification Sherloc (09022015). Collection method: clinical testing. Allele origin: germline.
Comment: This sequence change creates a premature translational stop signal (p.Tyr145*) in the BBS4 gene. It is expected to result in an absent or disrupted protein product. Loss-of-function variants in BBS4 are known to be pathogenic (PMID: 11381270, 12016587, 20177705, 27894351). This variant is not present in population databases (gnomAD no frequency). This variant has not been reported in the literature in individuals affected with BBS4-related conditions. Algorithms developed to predict the effect of sequence changes on RNA splicing suggest that this variant may disrupt the consensus splice site. For these reasons, this variant has been classified as Pathogenic.

Literature cited by the submitters: PubMed 11381270; PubMed 12016587; PubMed 20177705; PubMed 27894351.